The following is an entry in ClinVar:

NM_000719.7(CACNA1C):c.6156T>G (p.Asp2052Glu)

Genes: CACNA1C (calcium voltage-gated channel subunit alpha1 C; plus strand), CACNA1C-AS1 (CACNA1C antisense RNA 1; minus strand). Cytogenetic location: 12p13.33.
Variant type: single nucleotide variant.
Coding change: c.6156T>G on transcript NM_000719.7 (MANE Select); coding-DNA position 6156, T replaced by G.
Protein change: p.Asp2052Glu; replaces aspartic acid 2052 with glutamic acid.
Molecular consequence: missense variant. On other transcripts: non-coding transcript variant (1).
Genome position (GRCh38, 1-based): chr12:2,690,938, T>G. VCF-style: chr12-2690938-T-G. GRCh37 (hg19) VCF-style: chr12-2800104-T-G.
Other names: c.6279T>G, p.Asp2093Glu (NM_001129829.2); c.6261T>G, p.Asp2087Glu (NM_001129830.3, NM_001167624.3); c.6240T>G, p.Asp2080Glu (NM_001129831.2); c.6216T>G, p.Asp2072Glu (NM_001129832.2); c.6213T>G, p.Asp2071Glu (NM_001129833.2, NM_001129834.2, NM_001129835.2); c.6207T>G, p.Asp2069Glu (NM_001129836.2); c.6180T>G, p.Asp2060Glu (NM_001129837.2, NM_001129838.2); c.6174T>G, p.Asp2058Glu (NM_001129839.2); and 6 more; short protein forms D2052E, D2058E, D2071E, D2100E, D2049E, D2072E, D2087E, D2093E.
Identifiers: ClinVar variation 2864472 (VCV002864472.3), dbSNP rs1340284084, ClinGen allele CA383386182.

ClinVar aggregate classification (germline): Uncertain significance (1 of 4 stars; one submission).

Conditions:
Long QT syndrome (LQTS). Identifiers: MedGen C0023976, MeSH D008133, MONDO:0002442. Disease mechanism: loss of function. Inheritance: Various modes of inheritance.

Submission:

Labcorp Genetics (formerly Invitae), Labcorp
Classification: Uncertain significance for Long QT syndrome. Last evaluated: 2023-05-15. Review status: criteria provided, single submitter. Criteria: Invitae Variant Classification Sherloc (09022015). Collection method: clinical testing. Allele origin: germline.
Comment: In summary, the available evidence is currently insufficient to determine the role of this variant in disease. Therefore, it has been classified as a Variant of Uncertain Significance. Advanced modeling of protein sequence and biophysical properties (such as structural, functional, and spatial information, amino acid conservation, physicochemical variation, residue mobility, and thermodynamic stability) performed at Invitae indicates that this missense variant is not expected to disrupt CACNA1C protein function. This variant has not been reported in the literature in individuals affected with CACNA1C-related conditions. This variant is not present in population databases (gnomAD no frequency). This sequence change replaces aspartic acid, which is acidic and polar, with glutamic acid, which is acidic and polar, at codon 2052 of the CACNA1C protein (p.Asp2052Glu).